The following is an entry in ClinVar:

ClinVar aggregate classification (germline): Uncertain significance (1 of 4 stars; one submission).

Conditions:
Catecholaminergic polymorphic ventricular tachycardia 1. Also called: VENTRICULAR TACHYCARDIA, STRESS-INDUCED POLYMORPHIC 1; VENTRICULAR TACHYCARDIA, CATECHOLAMINERGIC POLYMORPHIC, 1, WITH OR WITHOUT ATRIAL DYSFUNCTION AND/OR DILATED CARDIOMYOPATHY; RYR2-Related Catecholaminergic Polymorphic Ventricular Tachycardia. Identifiers: Orphanet 3286, MedGen C1631597, MONDO:0011484, OMIM 604772.

Submission:

Labcorp Genetics (formerly Invitae), Labcorp
Classification: Uncertain significance for Catecholaminergic polymorphic ventricular tachycardia 1. Last evaluated: 2024-11-06. Review status: criteria provided, single submitter. Criteria: Invitae Variant Classification Sherloc (09022015). Collection method: clinical testing. Allele origin: germline.
Comment: This sequence change replaces threonine, which is neutral and polar, with serine, which is neutral and polar, at codon 4435 of the RYR2 protein (p.Thr4435Ser). This variant is not present in population databases (gnomAD no frequency). This variant has not been reported in the literature in individuals affected with RYR2-related conditions. Invitae Evidence Modeling of protein sequence and biophysical properties (such as structural, functional, and spatial information, amino acid conservation, physicochemical variation, residue mobility, and thermodynamic stability) indicates that this missense variant is not expected to disrupt RYR2 protein function with a negative predictive value of 95%. In summary, the available evidence is currently insufficient to determine the role of this variant in disease. Therefore, it has been classified as a Variant of Uncertain Significance.

NM_001035.3(RYR2):c.13304C>G (p.Thr4435Ser)

Gene: RYR2 (ryanodine receptor 2; plus strand). Cytogenetic location: 1q43.
Variant type: single nucleotide variant.
Coding change: c.13304C>G on transcript NM_001035.3 (MANE Select); coding-DNA position 13304, C replaced by G.
Protein change: p.Thr4435Ser; replaces threonine 4435 with serine.
Molecular consequence: missense variant.
Genome position (GRCh38, 1-based): chr1:237,786,012, C>G. VCF-style: chr1-237786012-C-G. GRCh37 (hg19) VCF-style: chr1-237949312-C-G.
Other names: short protein forms T4435S.
Identifiers: ClinVar variation 3718610 (VCV003718610.2).